The following is an entry in ClinVar:

NM_001666.5(ARHGAP4):c.2608-6C>T

Genes: ARHGAP4 (Rho GTPase activating protein 4; minus strand), AVPR2 (arginine vasopressin receptor 2; plus strand). Cytogenetic location: Xq28.
Variant type: single nucleotide variant.
Coding change: c.2608-6C>T on transcript NM_001666.5 (MANE Select); 6 bases into the intron before coding-DNA position 2608, C replaced by T.
Molecular consequence: intron variant.
Genome position (GRCh38, 1-based): chrX:153,907,968, G>A on the plus strand (C>T on the coding strand, the complement: ARHGAP4 is on the minus strand). VCF-style: chrX-153907968-G-A. GRCh37 (hg19) VCF-style: chrX-153173422-G-A.
Other names: c.2728-6C>T (NM_001164741.2).
Identifiers: ClinVar variation 402404 (VCV000402404.7), dbSNP rs139401482, ClinGen allele CA10555238.
Genomic context (GRCh38, chrX:153,907,968, plus strand): 5'-CAGAGGTCTTTCCCAAGAGCTCCTTAAACACAGAGTCCATGTTCTGTGCCACAGCCTAGC[G>A]GAGGGGAAAGAAAGGGAGAGTGACCAGTGAGTTCCCCCGACTGACCCTGCCCAAGACCCA-3'

ClinVar aggregate classification (germline): Benign. Review status: criteria provided, multiple submitters, no conflicts (2 of 4 stars). 2 submissions from 2 submitters: Benign (2). Last evaluated 2016-03-28.

Allele frequency attached by ClinVar (database versions not stated): 1000 Genomes Project 30x 0.01124; gnomAD exomes 0.02988; 1000 Genomes Project 0.01166; TOPMed 0.02551; gnomAD 0.03053 and 0.03002; ExAC 0.03135; ESP Exome Variant Server 0.03124.
gnomAD v4.1: 46,193 of 1,135,169 alleles (4.1%); highest among the groups gnomAD compares: Non-Finnish European, 4.7%; 771 homozygotes.

Submissions (21):

Laboratory for Molecular Medicine, Mass General Brigham Personalized Medicine
Classification: Benign. Last evaluated: 2016-03-28. Review status: criteria provided, single submitter. Criteria: LMM Criteria. Collection method: clinical testing. Allele origin: germline.
Comment: Variant identified in a genome or exome case(s) and assessed due to predicted null impact of the variant or pathogenic assertions in the literature or databases. Disclaimer: This variant has not undergone full assessment. The following are preliminary notes: Frequency

Breakthrough Genomics
Classification: Benign. Review status: criteria provided, single submitter. Criteria: ACMG Guidelines, 2015. Collection method: not provided. Allele origin: germline. Inheritance: Unknown mechanism. Affected: yes.

Dr. Peter K. Rogan Lab, Western University
No classification provided (evidence only). Condition: Familial cancer of breast. Review status: no classification provided. Collection method: in vitro. Allele origin: not applicable. Functional consequence: retained intron. Not counted in ClinVar's aggregate classification.

Dr. Peter K. Rogan Lab, Western University
No classification provided (evidence only). Condition: Acute myeloid leukemia. Review status: no classification provided. Collection method: in vitro. Allele origin: not applicable. Functional consequence: retained intron. Not counted in ClinVar's aggregate classification.

Dr. Peter K. Rogan Lab, Western University
No classification provided (evidence only). Condition: Acute myeloid leukemia. Review status: no classification provided. Collection method: in vitro. Allele origin: not applicable. Functional consequence: retained intron. Not counted in ClinVar's aggregate classification.

Dr. Peter K. Rogan Lab, Western University
No classification provided (evidence only). Condition: Acute myeloid leukemia. Review status: no classification provided. Collection method: in vitro. Allele origin: not applicable. Functional consequence: retained intron. Not counted in ClinVar's aggregate classification.

Dr. Peter K. Rogan Lab, Western University
No classification provided (evidence only). Condition: Acute myeloid leukemia. Review status: no classification provided. Collection method: in vitro. Allele origin: not applicable. Functional consequence: retained intron. Not counted in ClinVar's aggregate classification.

Dr. Peter K. Rogan Lab, Western University
No classification provided (evidence only). Condition: Acute myeloid leukemia. Review status: no classification provided. Collection method: in vitro. Allele origin: not applicable. Functional consequence: retained intron. Not counted in ClinVar's aggregate classification.

Dr. Peter K. Rogan Lab, Western University
No classification provided (evidence only). Condition: Acute myeloid leukemia. Review status: no classification provided. Collection method: in vitro. Allele origin: not applicable. Functional consequence: retained intron. Not counted in ClinVar's aggregate classification.

Dr. Peter K. Rogan Lab, Western University
No classification provided (evidence only). Condition: Acute myeloid leukemia. Review status: no classification provided. Collection method: in vitro. Allele origin: not applicable. Functional consequence: retained intron. Not counted in ClinVar's aggregate classification.

Dr. Peter K. Rogan Lab, Western University
No classification provided (evidence only). Condition: Cervical cancer. Review status: no classification provided. Collection method: in vitro. Allele origin: not applicable. Functional consequence: retained intron. Not counted in ClinVar's aggregate classification.

Dr. Peter K. Rogan Lab, Western University
No classification provided (evidence only). Condition: Cervical cancer. Review status: no classification provided. Collection method: in vitro. Allele origin: not applicable. Functional consequence: retained intron. Not counted in ClinVar's aggregate classification.

Dr. Peter K. Rogan Lab, Western University
No classification provided (evidence only). Condition: Cervical cancer. Review status: no classification provided. Collection method: in vitro. Allele origin: not applicable. Functional consequence: retained intron. Not counted in ClinVar's aggregate classification.

Dr. Peter K. Rogan Lab, Western University
No classification provided (evidence only). Condition: Sarcoma. Review status: no classification provided. Collection method: in vitro. Allele origin: not applicable. Functional consequence: retained intron. Not counted in ClinVar's aggregate classification.

Dr. Peter K. Rogan Lab, Western University
No classification provided (evidence only). Condition: Sarcoma. Review status: no classification provided. Collection method: in vitro. Allele origin: not applicable. Functional consequence: retained intron. Not counted in ClinVar's aggregate classification.

Dr. Peter K. Rogan Lab, Western University
No classification provided (evidence only). Condition: Thymoma. Review status: no classification provided. Collection method: in vitro. Allele origin: not applicable. Functional consequence: retained intron. Not counted in ClinVar's aggregate classification.

Dr. Peter K. Rogan Lab, Western University
No classification provided (evidence only). Condition: Thymoma. Review status: no classification provided. Collection method: in vitro. Allele origin: not applicable. Functional consequence: retained intron. Not counted in ClinVar's aggregate classification.

Dr. Peter K. Rogan Lab, Western University
No classification provided (evidence only). Condition: Cholangiocarcinoma. Review status: no classification provided. Collection method: in vitro. Allele origin: not applicable. Functional consequence: retained intron. Not counted in ClinVar's aggregate classification.

Dr. Peter K. Rogan Lab, Western University
No classification provided (evidence only). Condition: Gastric cancer. Review status: no classification provided. Collection method: in vitro. Allele origin: not applicable. Functional consequence: retained intron. Not counted in ClinVar's aggregate classification.

Dr. Peter K. Rogan Lab, Western University
No classification provided (evidence only). Condition: Gastric cancer. Review status: no classification provided. Collection method: in vitro. Allele origin: not applicable. Functional consequence: retained intron. Not counted in ClinVar's aggregate classification.

Dr. Peter K. Rogan Lab, Western University
No classification provided (evidence only). Condition: Gastric cancer. Review status: no classification provided. Collection method: in vitro. Allele origin: not applicable. Functional consequence: retained intron. Not counted in ClinVar's aggregate classification.